The following is an entry in ClinVar:

NM_001379286.1(ZNF423):c.1278C>G (p.Asp426Glu)

Gene: ZNF423 (zinc finger protein 423; minus strand). Cytogenetic location: 16q12.1.
Variant type: single nucleotide variant.
Coding change: c.1278C>G on transcript NM_001379286.1 (MANE Select); coding-DNA position 1278, C replaced by G.
Protein change: p.Asp426Glu; replaces aspartic acid 426 with glutamic acid.
Molecular consequence: missense variant.
Genome position (GRCh38, 1-based): chr16:49,637,898, G>C on the plus strand (C>G on the coding strand, the complement: ZNF423 is on the minus strand). VCF-style: chr16-49637898-G-C. GRCh37 (hg19) VCF-style: chr16-49671809-G-C.
Other names: c.1074C>G, p.Asp358Glu (NM_001271620.2); c.903C>G, p.Asp301Glu (NM_001330533.2); c.1254C>G, p.Asp418Glu (NM_015069.5); short protein forms D358E, D426E, D301E, D418E.
Identifiers: ClinVar variation 1476481 (VCV001476481.8), dbSNP rs1567522470, ClinGen allele CA395849951.

ClinVar aggregate classification (germline): Uncertain significance (1 of 4 stars; one submission).

Conditions:
Nephronophthisis 14 (NPHP14). Identifiers: Orphanet 2318, MedGen C3539071, MONDO:0013916, OMIM 614844.

Submission:

Labcorp Genetics (formerly Invitae), Labcorp
Classification: Uncertain significance for Nephronophthisis 14. Last evaluated: 2024-12-02. Review status: criteria provided, single submitter. Criteria: Invitae Variant Classification Sherloc (09022015). Collection method: clinical testing. Allele origin: germline.
Comment: This sequence change replaces aspartic acid, which is acidic and polar, with glutamic acid, which is acidic and polar, at codon 418 of the ZNF423 protein (p.Asp418Glu). This variant is not present in population databases (gnomAD no frequency). This variant has not been reported in the literature in individuals affected with ZNF423-related conditions. ClinVar contains an entry for this variant (Variation ID: 1476481). Invitae Evidence Modeling of protein sequence and biophysical properties (such as structural, functional, and spatial information, amino acid conservation, physicochemical variation, residue mobility, and thermodynamic stability) indicates that this missense variant is not expected to disrupt ZNF423 protein function with a negative predictive value of 80%. In summary, the available evidence is currently insufficient to determine the role of this variant in disease. Therefore, it has been classified as a Variant of Uncertain Significance.